The following is an entry in ClinVar:

ClinVar aggregate classification (germline): Uncertain significance. Review status: criteria provided, multiple submitters, no conflicts (2 of 4 stars). 2 submissions from 2 submitters: Uncertain significance (2). Last evaluated 2021-12-29.

Conditions:
Bardet-Biedl syndrome 9 (BBS9). Identifiers: Orphanet 110, MedGen C1859567, MONDO:0014437, OMIM 615986.
Bardet-Biedl syndrome (BBS). Identifiers: Orphanet 110, MedGen C0752166, MONDO:0015229.

Submissions (2):

Fulgent Genetics
Classification: Uncertain significance for Bardet-Biedl syndrome 9. Last evaluated: 2021-12-29. Review status: criteria provided, single submitter. Criteria: ACMG Guidelines, 2015. Collection method: clinical testing. Allele origin: unknown.

Labcorp Genetics (formerly Invitae), Labcorp
Classification: Uncertain significance for Bardet-Biedl syndrome. Last evaluated: 2021-08-31. Review status: criteria provided, single submitter. Criteria: Invitae Variant Classification Sherloc (09022015). Collection method: clinical testing. Allele origin: germline.
Comment: This sequence change replaces valine with phenylalanine at codon 417 of the BBS9 protein (p.Val417Phe). The valine residue is highly conserved and there is a small physicochemical difference between valine and phenylalanine. This variant is not present in population databases (ExAC no frequency). This variant has not been reported in the literature in individuals affected with BBS9-related conditions. Algorithms developed to predict the effect of missense changes on protein structure and function (SIFT, PolyPhen-2, Align-GVGD) all suggest that this variant is likely to be disruptive. In summary, the available evidence is currently insufficient to determine the role of this variant in disease. Therefore, it has been classified as a Variant of Uncertain Significance.

NM_198428.3(BBS9):c.1249G>T (p.Val417Phe)

Gene: BBS9 (Bardet-Biedl syndrome 9; plus strand). Cytogenetic location: 7p14.3.
Variant type: single nucleotide variant.
Coding change: c.1249G>T on transcript NM_198428.3 (MANE Select); coding-DNA position 1249, G replaced by T.
Protein change: p.Val417Phe; replaces valine 417 with phenylalanine.
Molecular consequence: missense variant. On other transcripts: non-coding transcript variant (3).
Genome position (GRCh38, 1-based): chr7:33,340,947, G>T. VCF-style: chr7-33340947-G-T. GRCh37 (hg19) VCF-style: chr7-33380559-G-T.
Other names: c.1249G>T, p.Val417Phe (NM_001033604.2, NM_001033605.2, NM_001348036.1 and 5 more transcripts); c.883G>T, p.Val295Phe (NM_001348037.3, NM_001348044.3, NM_001348045.3 and 1 more transcripts); c.976G>T, p.Val326Phe (NM_001348038.3, NM_001348039.3); c.1114G>T, p.Val372Phe (NM_001348042.3); short protein forms V372F, V295F, V326F, V417F.
Identifiers: ClinVar variation 849613 (VCV000849613.8), dbSNP rs751604593, ClinGen allele CA367255244.